The following is an entry in ClinVar:

ClinVar aggregate classification (germline): Uncertain significance. Review status: criteria provided, single submitter (1 of 4 stars). 2 submissions from 2 submitters: Uncertain significance (1). 1 of the submissions does not count toward it. Last evaluated 2021-02-21.

Conditions:
Cole-Carpenter syndrome 2 (CLCRP2). Identifiers: Orphanet 2050, MedGen C4225382, MONDO:0014573, OMIM 616294.

Allele frequency attached by ClinVar (database versions not stated): TOPMed below 0.00001.

Submissions (2):

Labcorp Genetics (formerly Invitae), Labcorp
Classification: Uncertain significance. Last evaluated: 2021-02-21. Review status: criteria provided, single submitter. Criteria: Invitae Variant Classification Sherloc (09022015). Collection method: clinical testing. Allele origin: germline.
Comment: This sequence change replaces serine with proline at codon 948 of the SEC24D protein (p.Ser948Pro). The serine residue is moderately conserved and there is a moderate physicochemical difference between serine and proline. This variant is not present in population databases (ExAC no frequency). This variant has been observed in individual(s) with osteogenesis imperfecta (PMID: 27942778). ClinVar contains an entry for this variant (Variation ID: 638181). Algorithms developed to predict the effect of missense changes on protein structure and function are either unavailable or do not agree on the potential impact of this missense change (SIFT: "Not Available"; PolyPhen-2: "Probably Damaging"; Align-GVGD: "Not Available"). In summary, the available evidence is currently insufficient to determine the role of this variant in disease. Therefore, it has been classified as a Variant of Uncertain Significance.

OMIM
Classification: Pathogenic for COLE-CARPENTER SYNDROME 2. Last evaluated: 2019-07-27. Review status: no assertion criteria provided. Collection method: literature only. Allele origin: germline. Not counted in ClinVar's aggregate classification.

Literature cited by the submitters: PubMed 27942778 (cited by Labcorp Genetics (formerly Invitae), Labcorp and OMIM).

NM_014822.4(SEC24D):c.2842T>C (p.Ser948Pro)

Gene: SEC24D (SEC24 homolog D, COPII component; minus strand). Cytogenetic location: 4q26.
Variant type: single nucleotide variant.
Coding change: c.2842T>C on transcript NM_014822.4 (MANE Select); coding-DNA position 2842, T replaced by C.
Protein change: p.Ser948Pro; replaces serine 948 with proline.
Molecular consequence: missense variant.
Genome position (GRCh38, 1-based): chr4:118,731,342, A>G on the plus strand (T>C on the coding strand, the complement: SEC24D is on the minus strand). VCF-style: chr4-118731342-A-G. GRCh37 (hg19) VCF-style: chr4-119652497-A-G.
Other names: c.2845T>C, p.Ser949Pro (NM_001318066.2); short protein forms S948P, S949P.
Identifiers: ClinVar variation 638181 (VCV000638181.8), dbSNP rs1175597762, ClinGen allele CA358003812.